The following is an entry in ClinVar:

NM_000132.4(F8):c.1138G>A (p.Asp380Asn)

Gene: F8 (coagulation factor VIII; minus strand). Cytogenetic location: Xq28.
Variant type: single nucleotide variant.
Coding change: c.1138G>A on transcript NM_000132.4 (MANE Select); coding-DNA position 1138, G replaced by A.
Protein change: p.Asp380Asn; replaces aspartic acid 380 with asparagine.
Molecular consequence: missense variant.
Genome position (GRCh38, 1-based): chrX:154,966,559, C>T on the plus strand (G>A on the coding strand, the complement: F8 is on the minus strand). VCF-style: chrX-154966559-C-T. GRCh37 (hg19) VCF-style: chrX-154194834-C-T.
Other names: short protein forms D380N.
Identifiers: ClinVar variation 3764378 (VCV003764378.1).

ClinVar aggregate classification (germline): Uncertain significance (1 of 4 stars; one submission).

gnomAD v4.1: 39 of 1,211,625 alleles (0.0032%); highest among the groups gnomAD compares: Non-Finnish European, 0.0042%; no homozygotes.

Submission:

GeneDx
Classification: Uncertain significance. Last evaluated: 2024-08-23. Review status: criteria provided, single submitter. Criteria: GeneDx Variant Classification Process June 2021. Collection method: clinical testing. Allele origin: germline. Affected: yes.
Comment: In silico analysis indicates that this missense variant does not alter protein structure/function; Has not been previously published as pathogenic or benign to our knowledge